The following is an entry in ClinVar:

ClinVar aggregate classification (germline): Likely benign. Review status: criteria provided, multiple submitters, no conflicts (2 of 4 stars). 7 submissions from 7 submitters: Likely benign (7). Last evaluated 2025-11-22.

Conditions:
Cardiovascular phenotype. Identifiers: MedGen CN230736.
Arrhythmogenic cardiomyopathy with wooly hair and keratoderma. Also called: PALMOPLANTAR KERATODERMA WITH LEFT VENTRICULAR CARDIOMYOPATHY AND WOOLLY HAIR; Dilated cardiomyopathy with woolly hair and keratoderma; Arrhythmogenic cardiomyopathy with woolly hair and keratoderma; Carvajal syndrome. Identifiers: Orphanet 65282, MedGen C1854063, MONDO:0011581, OMIM 605676.
Keratosis palmoplantaris striata 2. Also called: KERATODERMA, PALMOPLANTAR, STRIATE FORM II; STRIATE PALMOPLANTAR KERATODERMA II; Keratosis palmoplantaris striata II. Identifiers: MedGen C1852127, MONDO:0013034, OMIM 612908.
Woolly hair-skin fragility syndrome (WHSF). Identifiers: Orphanet 293165, MedGen C1843292, MONDO:0957307, OMIM 620415.
Cardiomyopathy, dilated, with wooly hair, keratoderma, and tooth agenesis. Also called: Erythrokeratodermia-cardiomyopathy syndrome; Cardiomyopathy, dilated, with woolly hair, keratoderma, and tooth agenesis. Identifiers: Orphanet 476096, Orphanet 65282, MedGen C4014393, MONDO:0014355, OMIM 615821.
Arrhythmogenic right ventricular dysplasia 8 (ARVD8). Also called: Arrhythmogenic Right Ventricular Dysplasia/Cardiomyopathy 8; ARRHYTHMOGENIC RIGHT VENTRICULAR DYSPLASIA, FAMILIAL, 8; ARRHYTHMOGENIC RIGHT VENTRICULAR CARDIOMYOPATHY 8. Identifiers: MedGen C1843896, MONDO:0011831, OMIM 607450.
Lethal acantholytic epidermolysis bullosa (EBLA). Identifiers: Orphanet 158687, MedGen C1864826, MONDO:0012323, OMIM 609638.
Cardiomyopathy (CMYO). Also called: Cardiomyopathies. Identifiers: Orphanet 167848, MedGen C0878544, MONDO:0004994, HP:0001638. Inheritance: Various modes of inheritance.

Allele frequency attached by ClinVar (database versions not stated): ExAC 0.00004; gnomAD exomes 0.00004 and 0.00005; gnomAD 0.00001 and 0.00002.
gnomAD v4.1: 74 of 1,608,480 alleles (0.0046%); highest among the groups gnomAD compares: Non-Finnish European, 0.006%; no homozygotes.

Submissions (7):

Labcorp Genetics (formerly Invitae), Labcorp
Classification: Likely benign for Arrhythmogenic cardiomyopathy with wooly hair and keratoderma; Arrhythmogenic right ventricular dysplasia 8. Last evaluated: 2025-11-22. Review status: criteria provided, single submitter. Criteria: Invitae Variant Classification Sherloc (09022015). Collection method: clinical testing. Allele origin: germline.

Blueprint Genetics
Classification: Likely benign. Last evaluated: 2024-07-01. Review status: criteria provided, single submitter. Criteria: ACMG Guidelines, 2015. Collection method: clinical testing. Allele origin: germline.

All of Us Research Program, National Institutes of Health
Classification: Likely benign for Arrhythmogenic cardiomyopathy with wooly hair and keratoderma. Last evaluated: 2024-02-05. Review status: criteria provided, single submitter. Criteria: ACMG Guidelines, 2015. Collection method: clinical testing. Allele origin: germline. Inheritance: Autosomal dominant inheritance. Observed: 13 variant alleles, 13 heterozygotes.
Comment: This study involves interpretation of variants in research participants for the purpose of population health screening. Participant phenotype was not available at the time of variant classification. Additional details can be found in publication PMID: 35346344, PMCID: PMC8962531

Ambry Genetics
Classification: Likely benign for Cardiovascular phenotype. Last evaluated: 2022-12-18. Review status: criteria provided, single submitter. Criteria: Ambry Variant Classification Scheme 2023. Collection method: clinical testing. Allele origin: germline.

Fulgent Genetics
Classification: Likely benign for Arrhythmogenic cardiomyopathy with wooly hair and keratoderma; Arrhythmogenic right ventricular dysplasia 8; Lethal acantholytic epidermolysis bullosa; Keratosis palmoplantaris striata 2; Cardiomyopathy, dilated, with wooly hair, keratoderma, and tooth agenesis. Last evaluated: 2021-07-26. Review status: criteria provided, single submitter. Criteria: ACMG Guidelines, 2015. Collection method: clinical testing. Allele origin: unknown.

GeneDx
Classification: Likely benign. Last evaluated: 2019-08-28. Review status: criteria provided, single submitter. Criteria: GeneDx Variant Classification Process June 2021. Collection method: clinical testing. Allele origin: germline. Affected: yes.

Color Diagnostics, LLC DBA Color Health
Classification: Likely benign for Cardiomyopathy. Last evaluated: 2019-04-20. Review status: criteria provided, single submitter. Criteria: ACMG Guidelines, 2015. Collection method: clinical testing. Allele origin: germline.

NM_004415.4(DSP):c.8511T>C (p.Ser2837=)

Gene: DSP (desmoplakin; plus strand). Cytogenetic location: 6p24.3.
Variant type: single nucleotide variant.
Coding change: c.8511T>C on transcript NM_004415.4 (MANE Select); coding-DNA position 8511, T replaced by C.
Protein change: p.Ser2837=; no amino-acid change (serine 2837 retained).
Molecular consequence: synonymous variant.
Genome position (GRCh38, 1-based): chr6:7,585,773, T>C. VCF-style: chr6-7585773-T-C. GRCh37 (hg19) VCF-style: chr6-7586006-T-C.
Other names: c.8511T>C (LRG_423t1); c.6714T>C, p.Ser2238= (NM_001008844.3); c.7182T>C, p.Ser2394= (NM_001319034.2).
Identifiers: ClinVar variation 510805 (VCV000510805.20), dbSNP rs757475874, ClinGen allele CA052649.
Genomic context (GRCh38, chr6:7,585,773, plus strand): 5'-CAACATGTCTTCGGCTCCGGGGTCCCGCTCCGGCTCCCGCTCGGGATCTCGCTCCGGATC[T>C]CGCTCCGGGTCCCGCAGTGGGTCCCGGAGAGGAAGCTTTGACGCCACAGGGAATTCTTCC-3'
Protein context (NP_004406.2, residues 2827-2847): SGSRSGSRSG[Ser2837=]RSGSRSGSRR